The following is an entry in ClinVar:

ClinVar aggregate classification (germline): Uncertain significance. Review status: criteria provided, multiple submitters, no conflicts (2 of 4 stars). 2 submissions from 2 submitters: Uncertain significance (2). Last evaluated 2023-09-23.

Conditions:
Inborn genetic diseases. Identifiers: MedGen C0950123, MeSH D030342.
Myasthenic syndrome, congenital, 24, presynaptic. Identifiers: MedGen C4748684, MONDO:0032597, OMIM 618198.

gnomAD v4.1: 4 of 1,613,632 alleles (0.00025%); highest among the groups gnomAD compares: Non-Finnish European, 0.00034%; no homozygotes.

Submissions (2):

Ambry Genetics
Classification: Uncertain significance for Inborn genetic diseases. Last evaluated: 2023-09-23. Review status: criteria provided, single submitter. Criteria: Ambry Variant Classification Scheme 2023. Collection method: clinical testing. Allele origin: germline.

Neuberg Centre For Genomic Medicine, NCGM
Classification: Uncertain significance for Myasthenic syndrome, congenital, 24, presynaptic. Last evaluated: 2023-02-14. Review status: criteria provided, single submitter. Criteria: ACMG Guidelines, 2015. Collection method: clinical testing. Allele origin: germline. Inheritance: Autosomal recessive inheritance. Affected: yes.
Comment: The missense variant c.6416G>A (p.Arg2139Gln) in the MYO9A gene has not been reported previously as a pathogenic variant nor as a benign variant, to our knowledge. This variant is novel (not in any individuals) in gnomAD Exomes and 1000 Genomes. The amino acid Arginine at position 2139 is changed to a Glutamine changing protein sequence and it might alter its composition and physico-chemical properties. The variant is predicted as damaging by SIFT. The amino acid change p.Arg2139Gln in MYO9A is predicted as conserved by GERP++ and PhyloP across 100 vertebrates. For these reasons, this variant has been classified as Uncertain Significance.

NM_006901.4(MYO9A):c.6416G>A (p.Arg2139Gln)

Gene: MYO9A (myosin IXA; minus strand). Cytogenetic location: 15q23.
Variant type: single nucleotide variant.
Coding change: c.6416G>A on transcript NM_006901.4 (MANE Select); coding-DNA position 6416, G replaced by A.
Protein change: p.Arg2139Gln; replaces arginine 2139 with glutamine.
Molecular consequence: missense variant.
Genome position (GRCh38, 1-based): chr15:71,852,191, C>T on the plus strand (G>A on the coding strand, the complement: MYO9A is on the minus strand). VCF-style: chr15-71852191-C-T. GRCh37 (hg19) VCF-style: chr15-72144532-C-T.
Other names: c.6416G>A (NM_006901.2); short protein forms R2139Q.
Identifiers: ClinVar variation 2664910 (VCV002664910.2), dbSNP rs879016709, ClinGen allele CA393061394.